The following is an entry in ClinVar:

ClinVar aggregate classification (germline): Uncertain significance. Review status: criteria provided, multiple submitters, no conflicts (2 of 4 stars). 2 submissions from 2 submitters: Uncertain significance (2). Last evaluated 2025-05-12.

gnomAD v4.1: 84 of 1,605,726 alleles (0.0052%); highest among the groups gnomAD compares: African/African-American, 0.0095%; no homozygotes.

Submissions (2):

GeneDx
Classification: Uncertain significance. Last evaluated: 2025-05-12. Review status: criteria provided, single submitter. Criteria: GeneDx Variant Classification Process June 2021. Collection method: clinical testing. Allele origin: germline. Affected: yes.
Comment: In silico analysis suggests that this missense variant does not alter protein structure/function; Has not been previously published as pathogenic or benign to our knowledge

Labcorp Genetics (formerly Invitae), Labcorp
Classification: Uncertain significance. Last evaluated: 2024-08-29. Review status: criteria provided, single submitter. Criteria: Invitae Variant Classification Sherloc (09022015). Collection method: clinical testing. Allele origin: germline.
Comment: This sequence change replaces arginine, which is basic and polar, with tryptophan, which is neutral and slightly polar, at codon 13 of the NDUFS7 protein (p.Arg13Trp). This variant is present in population databases (rs140143043, gnomAD 0.02%). This variant has not been reported in the literature in individuals affected with NDUFS7-related conditions. ClinVar contains an entry for this variant (Variation ID: 2193216). An algorithm developed to predict the effect of missense changes on protein structure and function outputs the following: PolyPhen-2: "Benign". The tryptophan amino acid residue is found in multiple mammalian species, which suggests that this missense change does not adversely affect protein function. In summary, the available evidence is currently insufficient to determine the role of this variant in disease. Therefore, it has been classified as a Variant of Uncertain Significance.

NM_024407.5(NDUFS7):c.37C>T (p.Arg13Trp)

Gene: NDUFS7 (NADH:ubiquinone oxidoreductase core subunit S7; plus strand). Cytogenetic location: 19p13.3.
Variant type: single nucleotide variant.
Coding change: c.37C>T on transcript NM_024407.5 (MANE Select); coding-DNA position 37, C replaced by T.
Protein change: p.Arg13Trp; replaces arginine 13 with tryptophan.
Molecular consequence: missense variant.
Genome position (GRCh38, 1-based): chr19:1,387,831, C>T. VCF-style: chr19-1387831-C-T. GRCh37 (hg19) VCF-style: chr19-1387830-C-T.
Other names: c.37C>T, p.Arg13Trp (NM_001363602.2); c.37C>T (NM_024407.4); short protein forms R13W.
Identifiers: ClinVar variation 2193216 (VCV002193216.4), dbSNP rs140143043, ClinGen allele CA9043021.